The following is an entry in ClinVar:

ClinVar aggregate classification (germline): Uncertain significance (1 of 4 stars; one submission).

Conditions:
Glycogen storage disease IXd (GSD9D). Also called: Muscle Phosphorylase Kinase Deficiency; GSD IXd. Identifiers: Orphanet 715, MedGen C1845151, MONDO:0010362, OMIM 300559.

Submission:

Labcorp Genetics (formerly Invitae), Labcorp
Classification: Uncertain significance for Glycogen storage disease IXd. Last evaluated: 2022-09-02. Review status: criteria provided, single submitter. Criteria: Invitae Variant Classification Sherloc (09022015). Collection method: clinical testing. Allele origin: germline.
Comment: This sequence change replaces proline, which is neutral and non-polar, with leucine, which is neutral and non-polar, at codon 872 of the PHKA1 protein (p.Pro872Leu). This variant is not present in population databases (gnomAD no frequency). This variant has not been reported in the literature in individuals affected with PHKA1-related conditions. Algorithms developed to predict the effect of missense changes on protein structure and function are either unavailable or do not agree on the potential impact of this missense change (SIFT: "Deleterious"; PolyPhen-2: "Probably Damaging"; Align-GVGD: "Class C0"). In summary, the available evidence is currently insufficient to determine the role of this variant in disease. Therefore, it has been classified as a Variant of Uncertain Significance.

NM_002637.4(PHKA1):c.2615C>T (p.Pro872Leu)

Gene: PHKA1 (phosphorylase kinase regulatory subunit alpha 1; minus strand). Cytogenetic location: Xq13.1.
Variant type: single nucleotide variant.
Coding change: c.2615C>T on transcript NM_002637.4 (MANE Select); coding-DNA position 2615, C replaced by T.
Protein change: p.Pro872Leu; replaces proline 872 with leucine.
Molecular consequence: missense variant.
Genome position (GRCh38, 1-based): chrX:72,605,611, G>A on the plus strand (C>T on the coding strand, the complement: PHKA1 is on the minus strand). VCF-style: chrX-72605611-G-A. GRCh37 (hg19) VCF-style: chrX-71825461-G-A.
Other names: c.2615C>T, p.Pro872Leu (NM_001122670.2); c.2438C>T, p.Pro813Leu (NM_001172436.2); short protein forms P813L, P872L.
Identifiers: ClinVar variation 1718710 (VCV001718710.6), dbSNP rs2522422025, ClinGen allele CA413589482.
Genomic context (GRCh38, chrX:72,605,611, plus strand): 5'-ATTGAAATGCTCATATCCCCTTCACTGGCTTCATCTATCAGCTGAGTGAGCGCCTCATAG[G>A]GCAGAGGTCTAAGGAAAAAGACAGCAAAGAAAGACAATATTCTACAACCACTTAATCTTA-3'
Protein context (NP_002628.2, residues 862-882): PREKTISAPL[Pro872Leu]YEALTQLIDE